The following is an entry in ClinVar:

NM_000264.5(PTCH1):c.2552G>A (p.Trp851Ter)

Genes: PTCH1 (patched 1; minus strand), LOC100507346 (uncharacterized LOC100507346; plus strand). Cytogenetic location: 9q22.32.
Variant type: single nucleotide variant.
Coding change: c.2552G>A on transcript NM_000264.5 (MANE Select); coding-DNA position 2552, G replaced by A.
Protein change: p.Trp851Ter; replaces tryptophan 851 with a stop codon.
Molecular consequence: nonsense. On other transcripts: non-coding transcript variant (2).
Genome position (GRCh38, 1-based): chr9:95,467,124, C>T on the plus strand (G>A on the coding strand, the complement: PTCH1 is on the minus strand). VCF-style: chr9-95467124-C-T. GRCh37 (hg19) VCF-style: chr9-98229406-C-T.
Other names: c.2354G>A, p.Trp785Ter (NM_001083602.3); c.2549G>A, p.Trp850Ter (NM_001083603.3); c.2099G>A, p.Trp700Ter (NM_001083604.3, NM_001083605.3, NM_001083606.3 and 1 more transcripts); c.2396G>A, p.Trp799Ter (NM_001354918.2); short protein forms W700*, W785*, W799*, W850*, W851*.
Identifiers: ClinVar variation 4737601 (VCV004737601.1).

ClinVar aggregate classification (germline): Pathogenic (1 of 4 stars; one submission).

Conditions:
Gorlin syndrome. Also called: Nevoid Basal Cell Carcinoma Syndrome; Basal cell nevus syndrome. Identifiers: Orphanet 377, MedGen C0004779, MONDO:0007187.

Submission:

Labcorp Genetics (formerly Invitae), Labcorp
Classification: Pathogenic for Gorlin syndrome. Last evaluated: 2025-12-12. Review status: criteria provided, single submitter. Criteria: Invitae Variant Classification Sherloc (09022015). Collection method: clinical testing. Allele origin: germline.
Comment: This sequence change creates a premature translational stop signal (p.Trp851*) in the PTCH1 gene. It is expected to result in an absent or disrupted protein product. Loss-of-function variants in PTCH1 are known to be pathogenic (PMID: 16301862, 16419085). This variant is not present in population databases (gnomAD no frequency). This premature translational stop signal has been observed in individual(s) with Gorlin syndrome (PMID: 28733979). For these reasons, this variant has been classified as Pathogenic.

Literature cited by the submitters: PubMed 16301862; PubMed 16419085; PubMed 28733979.